The following is an entry in ClinVar:

NM_003998.4(NFKB1):c.59C>G (p.Ser20Cys)

Gene: NFKB1 (nuclear factor kappa B subunit 1; plus strand). Cytogenetic location: 4q24.
Variant type: single nucleotide variant.
Coding change: c.59C>G on transcript NM_003998.4 (MANE Select); coding-DNA position 59, C replaced by G.
Protein change: p.Ser20Cys; replaces serine 20 with cysteine.
Molecular consequence: missense variant.
Genome position (GRCh38, 1-based): chr4:102,529,855, C>G. VCF-style: chr4-102529855-C-G. GRCh37 (hg19) VCF-style: chr4-103451012-C-G.
Other names: c.59C>G, p.Ser20Cys (NM_001165412.2, NM_001319226.2, NM_001382625.1 and 2 more transcripts); c.20C>G, p.Ser7Cys (NM_001382628.1); short protein forms S20C, S7C.
Identifiers: ClinVar variation 3879305 (VCV003879305.2).

ClinVar aggregate classification (germline): Uncertain significance. Review status: criteria provided, multiple submitters, no conflicts (2 of 4 stars). 2 submissions from 2 submitters: Uncertain significance (2). Last evaluated 2025-10-09.

Conditions:
Inborn genetic diseases. Identifiers: MedGen C0950123, MeSH D030342.

gnomAD v4.1: 6 of 1,606,752 alleles (0.00037%); highest among the groups gnomAD compares: Non-Finnish European, 0.00051%; no homozygotes.

Submissions (2):

Labcorp Genetics (formerly Invitae), Labcorp
Classification: Uncertain significance. Last evaluated: 2025-10-09. Review status: criteria provided, single submitter. Criteria: Invitae Variant Classification Sherloc (09022015). Collection method: clinical testing. Allele origin: germline.
Comment: This sequence change replaces serine, which is neutral and polar, with cysteine, which is neutral and slightly polar, at codon 20 of the NFKB1 protein (p.Ser20Cys). This variant is present in population databases (rs370685242, gnomAD 0.002%). This variant has not been reported in the literature in individuals affected with NFKB1-related conditions. ClinVar contains an entry for this variant (Variation ID: 3879305). An algorithm developed to predict the effect of missense changes on protein structure and function (PolyPhen-2) suggests that this variant is likely to be tolerated. In summary, the available evidence is currently insufficient to determine the role of this variant in disease. Therefore, it has been classified as a Variant of Uncertain Significance.

Ambry Genetics
Classification: Uncertain significance for Inborn genetic diseases. Last evaluated: 2025-03-10. Review status: criteria provided, single submitter. Criteria: Ambry Variant Classification Scheme 2023. Collection method: clinical testing. Allele origin: germline.